The following is an entry in ClinVar:

ClinVar aggregate classification (germline): Uncertain significance (1 of 4 stars; one submission).

Conditions:
Ehlers-Danlos syndrome, classic type, 1 (EDSCL1). Also called: EDS I; Ehlers-Danlos syndrome, type 1; EHLERS-DANLOS SYNDROME, GRAVIS TYPE; EHLERS-DANLOS SYNDROME, SEVERE CLASSIC TYPE; Ehlers-Danlos Syndrome, Classic Type, COL5A1-Related. Identifiers: MedGen C0268335, MONDO:0019567, OMIM 130000.

Submission:

Labcorp Genetics (formerly Invitae), Labcorp
Classification: Uncertain significance for Ehlers-Danlos syndrome, classic type, 1. Last evaluated: 2022-08-05. Review status: criteria provided, single submitter. Criteria: Invitae Variant Classification Sherloc (09022015). Collection method: clinical testing. Allele origin: germline.
Comment: In summary, the available evidence is currently insufficient to determine the role of this variant in disease. Therefore, it has been classified as a Variant of Uncertain Significance. Advanced modeling of protein sequence and biophysical properties (such as structural, functional, and spatial information, amino acid conservation, physicochemical variation, residue mobility, and thermodynamic stability) performed at Invitae indicates that this missense variant is not expected to disrupt COL5A2 protein function. This variant has not been reported in the literature in individuals affected with COL5A2-related conditions. This variant is not present in population databases (gnomAD no frequency). This sequence change replaces aspartic acid, which is acidic and polar, with alanine, which is neutral and non-polar, at codon 244 of the COL5A2 protein (p.Asp244Ala).

NM_000393.5(COL5A2):c.731A>C (p.Asp244Ala)

Gene: COL5A2 (collagen type V alpha 2 chain; minus strand). Cytogenetic location: 2q32.2.
Variant type: single nucleotide variant.
Coding change: c.731A>C on transcript NM_000393.5 (MANE Select); coding-DNA position 731, A replaced by C.
Protein change: p.Asp244Ala; replaces aspartic acid 244 with alanine.
Molecular consequence: missense variant.
Genome position (GRCh38, 1-based): chr2:189,085,732, T>G on the plus strand (A>C on the coding strand, the complement: COL5A2 is on the minus strand). VCF-style: chr2-189085732-T-G. GRCh37 (hg19) VCF-style: chr2-189950458-T-G.
Other names: short protein forms D244A.
Identifiers: ClinVar variation 1715179 (VCV001715179.6), dbSNP rs2469357046, ClinGen allele CA349858568.
Genomic context (GRCh38, chr2:189,085,732, plus strand): 5'-TGGTGGACCCAAATGTAACTGGGTCTACATGCTTACTTGACATTTACCATTGGTCCAGGA[T>G]CACCAGGTTCACCAGGAGGTCCTGTAGGTCCTGCACCACCCTACAGTTGAAAACAAAGTA-3'
Protein context (NP_000384.2, residues 234-254): GPTGPPGEPG[Asp244Ala]PGPMGPIGSR